The following is an entry in ClinVar:

NM_001009944.3(PKD1):c.11482GAG[1] (p.Glu3829del)

Genes: PKD1 (polycystin 1, transient receptor potential channel interacting; minus strand), PKD1-AS1 (PKD1 antisense RNA 1; plus strand). Cytogenetic location: 16p13.3.
Variant type: Microsatellite.
Coding change: c.11482GAG[1] on transcript NM_001009944.3 (MANE Select); one copy of the 3-base unit GAG starting at c.11482; the reference has two copies in a row; one copy, 3 bases deleted; also written c.11485_11487del.
Protein change: p.Glu3829del; deletes glutamic acid 3829.
Molecular consequence: inframe deletion.
Genome position (GRCh38, 1-based): chr16:2,091,831-2,091,833, CTC deleted on the plus strand (GAG on the coding strand, the reverse complement: PKD1 is on the minus strand); deleting any 3 consecutive bases within chr16:2,091,831-2,091,837 gives the same sequence; the position shown is the placement nearest the transcript's 3' end. VCF-style (leftmost placement, unchanged base first): chr16-2091830-TCTC-T. GRCh37 (hg19) VCF-style: chr16-2141831-TCTC-T.
Other names: c.11479GAG[1], p.Glu3828del (NM_000296.4); c.11485_11487del (NM_001009944.3); short protein forms E3829del, E3828del.
Identifiers: ClinVar variation 636777 (VCV000636777.4), dbSNP rs1596481630, ClinGen allele CA915948990.

ClinVar aggregate classification (germline): Uncertain significance. Review status: criteria provided, multiple submitters, no conflicts (2 of 4 stars). 2 submissions from 2 submitters: Uncertain significance (2). Last evaluated 2024-01-31.

Conditions:
Polycystic kidney disease, adult type (PKD1). Also called: POLYCYSTIC KIDNEY DISEASE, ADULT, TYPE I; Polycystic Kidney, Autosomal Dominant; Polycystic Kidney Disease 1, Autosomal Dominant; Polycystic kidney disease 1; Polycystic kidney disease 1, severe; POLYCYSTIC KIDNEY DISEASE 1 WITH OR WITHOUT POLYCYSTIC LIVER DISEASE. Identifiers: MedGen C3149841, MONDO:0008263, OMIM 173900.

Submissions (2):

Blueprint Genetics
Classification: Uncertain significance. Last evaluated: 2024-01-31. Review status: criteria provided, single submitter. Criteria: ACMG Guidelines, 2015. Collection method: clinical testing. Allele origin: germline.

Juno Genomics, Hangzhou Juno Genomics, Inc
Classification: Uncertain significance for Polycystic kidney disease, adult type. Review status: criteria provided, single submitter. Criteria: ACMG Guidelines, 2015. Collection method: clinical testing. Allele origin: germline. Affected: yes.
Comment: Absent from controls (or at extremely low frequency if recessive) in Genome Aggregation Database, Exome Sequencing Project, 1000 Genomes Project, or Exome Aggregation Consortium.;Protein length changes due to in-frame deletions/insertions in a non-repeat region or stop-loss variants.;The prevalence of the variant in affected individuals is significantly increased compared to the prevalence in controls.;Patient's phenotype or family history is highly specific for a disease with a single genetic etiology.